The following is an entry in ClinVar:

NM_006031.6(PCNT):c.4352G>C (p.Arg1451Pro)

Gene: PCNT (pericentrin; plus strand). Cytogenetic location: 21q22.3.
Variant type: single nucleotide variant.
Coding change: c.4352G>C on transcript NM_006031.6 (MANE Select); coding-DNA position 4352, G replaced by C.
Protein change: p.Arg1451Pro; replaces arginine 1451 with proline.
Molecular consequence: missense variant.
Genome position (GRCh38, 1-based): chr21:46,397,400, G>C. VCF-style: chr21-46397400-G-C. GRCh37 (hg19) VCF-style: chr21-47817314-G-C.
Other names: c.3998G>C, p.Arg1333Pro (NM_001315529.2); short protein forms R1333P, R1451P.
Identifiers: ClinVar variation 4875064 (VCV004875064.2).

ClinVar aggregate classification (germline): Uncertain significance (1 of 4 stars; one submission).

Submission:

CeGaT Center for Human Genetics Tuebingen
Classification: Uncertain significance. Last evaluated: 2026-05-01. Review status: criteria provided, single submitter. Criteria: CeGaT Center For Human Genetics Tuebingen Variant Classification Criteria Version 2. Collection method: clinical testing. Allele origin: germline. Affected: yes. Observed: 1 variant allele.
Comment: PCNT: PM2, BP4